The following is an entry in ClinVar:

NM_015271.5(TRIM2):c.1876G>A (p.Val626Met)

Gene: TRIM2 (tripartite motif containing 2; plus strand). Cytogenetic location: 4q31.3.
Variant type: single nucleotide variant.
Coding change: c.1876G>A on transcript NM_015271.5 (MANE Select); coding-DNA position 1876, G replaced by A.
Protein change: p.Val626Met; replaces valine 626 with methionine.
Molecular consequence: missense variant.
Genome position (GRCh38, 1-based): chr4:153,322,741, G>A. VCF-style: chr4-153322741-G-A. GRCh37 (hg19) VCF-style: chr4-154243893-G-A.
Other names: c.1795G>A, p.Val599Met (NM_001130067.2, NM_001351056.2); c.1849G>A, p.Val617Met (NM_001351054.2); c.1846G>A, p.Val616Met (NM_001351055.2); c.1420G>A, p.Val474Met (NM_001351057.2); short protein forms V599M, V474M, V616M, V626M, V617M.
Identifiers: ClinVar variation 541512 (VCV000541512.9), dbSNP rs759524701, ClinGen allele CA107896670.
Genomic context (GRCh38, chr4:153,322,741, plus strand): 5'-AAAGGAGTTTCTGTGGACCGCAATGGGCACATTATTGTTGTGGACAACAAGGCGTGCTGC[G>A]TGTTTATCTTCCAGCCAAACGGGAAAATAGTCACCAGGTTTGGTAGCCGAGGAAATGGGG-3'
Protein context (NP_056086.2, residues 616-636): IIVVDNKACC[Val626Met]FIFQPNGKIV

ClinVar aggregate classification (germline): Uncertain significance (1 of 4 stars; one submission).

Conditions:
Charcot-Marie-Tooth disease type 2R. Also called: CHARCOT-MARIE-TOOTH DISEASE, AXONAL, AUTOSOMAL RECESSIVE, TYPE 2R; Charcot-Marie-Tooth disease, axonal, type 2R; CHARCOT-MARIE-TOOTH NEUROPATHY, TYPE 2R. Identifiers: Orphanet 397968, MedGen C3809655, MONDO:0014208, OMIM 615490.

Allele frequency attached by ClinVar (database versions not stated): TOPMed below 0.00001.
gnomAD v4.1: 12 of 1,614,214 alleles (0.00074%); highest among the groups gnomAD compares: East Asian, 0.0022%; no homozygotes.

Submission:

Labcorp Genetics (formerly Invitae), Labcorp
Classification: Uncertain significance for Charcot-Marie-Tooth disease type 2R. Last evaluated: 2023-03-07. Review status: criteria provided, single submitter. Criteria: Invitae Variant Classification Sherloc (09022015). Collection method: clinical testing. Allele origin: germline.
Comment: This variant has not been reported in the literature in individuals affected with TRIM2-related conditions. This sequence change replaces valine, which is neutral and non-polar, with methionine, which is neutral and non-polar, at codon 599 of the TRIM2 protein (p.Val599Met). This variant is present in population databases (rs759524701, gnomAD 0.0009%). ClinVar contains an entry for this variant (Variation ID: 541512). An algorithm developed to predict the effect of missense changes on protein structure and function (PolyPhen-2) suggests that this variant is likely to be disruptive. In summary, the available evidence is currently insufficient to determine the role of this variant in disease. Therefore, it has been classified as a Variant of Uncertain Significance.